The following is an entry in ClinVar:

ClinVar aggregate classification (germline): Likely pathogenic (1 of 4 stars; one submission).

gnomAD v4.1: 15 of 1,611,762 alleles (0.00093%); highest among the groups gnomAD compares: Non-Finnish European, 0.0012%; no homozygotes.

Submission:

Labcorp Genetics (formerly Invitae), Labcorp
Classification: Likely pathogenic. Last evaluated: 2025-10-19. Review status: criteria provided, single submitter. Criteria: Invitae Variant Classification Sherloc (09022015). Collection method: clinical testing. Allele origin: germline.
Comment: This sequence change affects a donor splice site in intron 14 of the PLOD3 gene. It is expected to disrupt RNA splicing. Variants that disrupt the donor or acceptor splice site typically lead to a loss of protein function (PMID: 16199547), and loss-of-function variants in PLOD3 are known to be pathogenic (PMID: 30237576). This variant is present in population databases (rs145837848, gnomAD 0.006%). This variant has not been reported in the literature in individuals affected with PLOD3-related conditions. Algorithms developed to predict the effect of sequence changes on RNA splicing suggest that this variant may disrupt the consensus splice site. In summary, the currently available evidence indicates that the variant is pathogenic, but additional data are needed to prove that conclusively. Therefore, this variant has been classified as Likely Pathogenic.

Literature cited by the submitters: PubMed 16199547; PubMed 30237576.

NM_001084.5(PLOD3):c.1614+1G>A

Gene: PLOD3 (procollagen-lysine,2-oxoglutarate 5-dioxygenase 3; minus strand). Cytogenetic location: 7q22.1.
Variant type: single nucleotide variant.
Coding change: c.1614+1G>A on transcript NM_001084.5 (MANE Select); the canonical splice donor site of the intron after coding-DNA position 1614, G replaced by A.
Molecular consequence: splice donor variant.
Genome position (GRCh38, 1-based): chr7:101,210,330, C>T on the plus strand (G>A on the coding strand, the complement: PLOD3 is on the minus strand). VCF-style: chr7-101210330-C-T. GRCh37 (hg19) VCF-style: chr7-100853611-C-T.
Identifiers: ClinVar variation 4751381 (VCV004751381.1).